The following is an entry in ClinVar:

NM_000222.3(KIT):c.493G>C (p.Asp165His)

Gene: KIT (KIT proto-oncogene, receptor tyrosine kinase; plus strand). Cytogenetic location: 4q12.
Variant type: single nucleotide variant.
Coding change: c.493G>C on transcript NM_000222.3 (MANE Select); coding-DNA position 493, G replaced by C.
Protein change: p.Asp165His; replaces aspartic acid 165 with histidine.
Molecular consequence: missense variant.
Genome position (GRCh38, 1-based): chr4:54,698,439, G>C. VCF-style: chr4-54698439-G-C. GRCh37 (hg19) VCF-style: chr4-55564605-G-C.
Other names: c.493G>C, p.Asp165His (NM_001093772.2, NM_001385284.1, NM_001385285.1 and 4 more transcripts); short protein forms D165H.
Identifiers: ClinVar variation 838088 (VCV000838088.12), dbSNP rs1280787320, ClinGen allele CA356897705.

ClinVar aggregate classification (germline): Uncertain significance. Review status: criteria provided, multiple submitters, no conflicts (2 of 4 stars). 2 submissions from 2 submitters: Uncertain significance (2). Last evaluated 2022-05-21.

Conditions:
Hereditary cancer-predisposing syndrome. Also called: Neoplastic Syndromes, Hereditary; Tumor predisposition; Hereditary Cancer Syndrome; Hereditary neoplastic syndrome. Identifiers: Orphanet 140162, MedGen C0027672, MeSH D009386, MONDO:0015356.
Gastrointestinal stromal tumor. Also called: Gastrointestinal stromal tumor, somatic; Gastrointestinal stroma tumor. Identifiers: Orphanet 44890, MedGen C0238198, MeSH D046152, MONDO:0011719, OMIM 606764, HP:0100723.

Submissions (2):

Labcorp Genetics (formerly Invitae), Labcorp
Classification: Uncertain significance for Gastrointestinal stromal tumor. Last evaluated: 2022-05-21. Review status: criteria provided, single submitter. Criteria: Invitae Variant Classification Sherloc (09022015). Collection method: clinical testing. Allele origin: germline.
Comment: This sequence change replaces aspartic acid, which is acidic and polar, with histidine, which is basic and polar, at codon 165 of the KIT protein (p.Asp165His). In summary, the available evidence is currently insufficient to determine the role of this variant in disease. Therefore, it has been classified as a Variant of Uncertain Significance. Algorithms developed to predict the effect of missense changes on protein structure and function are either unavailable or do not agree on the potential impact of this missense change (SIFT: "Deleterious"; PolyPhen-2: "Possibly Damaging"; Align-GVGD: "Class C15"). ClinVar contains an entry for this variant (Variation ID: 838088). This variant has not been reported in the literature in individuals affected with KIT-related conditions. This variant is not present in population databases (gnomAD no frequency).

Ambry Genetics
Classification: Uncertain significance for Hereditary cancer-predisposing syndrome. Last evaluated: 2022-04-24. Review status: criteria provided, single submitter. Criteria: Ambry Variant Classification Scheme 2023. Collection method: clinical testing. Allele origin: germline.
Comment: The p.D165H variant (also known as c.493G>C), located in coding exon 3 of the KIT gene, results from a G to C substitution at nucleotide position 493. The aspartic acid at codon 165 is replaced by histidine, an amino acid with similar properties. This amino acid position is conserved. In addition, this alteration is predicted to be tolerated by in silico analysis. Since supporting evidence is limited at this time, the clinical significance of this alteration remains unclear.